The following is an entry in ClinVar:

NM_025114.4(CEP290):c.3135A>G (p.Lys1045=)

Gene: CEP290 (centrosomal protein 290; minus strand). Cytogenetic location: 12q21.32.
Variant type: single nucleotide variant.
Coding change: c.3135A>G on transcript NM_025114.4 (MANE Select); coding-DNA position 3135, A replaced by G.
Protein change: p.Lys1045=; no amino-acid change (lysine 1045 retained).
Molecular consequence: synonymous variant.
Genome position (GRCh38, 1-based): chr12:88,093,944, T>C on the plus strand (A>G on the coding strand, the complement: CEP290 is on the minus strand). VCF-style: chr12-88093944-T-C. GRCh37 (hg19) VCF-style: chr12-88487721-T-C.
Identifiers: ClinVar variation 700920 (VCV000700920.28), dbSNP rs370622537, ClinGen allele CA6712207.

ClinVar aggregate classification (germline): Likely benign. Review status: criteria provided, multiple submitters, no conflicts (2 of 4 stars). 5 submissions from 5 submitters: Likely benign (4). 1 of the submissions does not count toward it. Last evaluated 2026-01-27.

Conditions:
Leber congenital amaurosis (LCA). Also called: Leber's amaurosis. Identifiers: Orphanet 65, MedGen C0339527, MeSH D057130, MONDO:0018998.
Meckel syndrome, type 4 (MKS4). Also called: MECKEL-GRUBER SYNDROME, TYPE 4. Identifiers: Orphanet 564, MedGen C1970161, MONDO:0012626, OMIM 611134.
Senior-Loken syndrome 6 (SLSN6). Identifiers: Orphanet 3156, MedGen C1857779, MONDO:0012433, OMIM 610189.
Leber congenital amaurosis 10 (LCA10). Identifiers: Orphanet 65, MedGen C1857821, MONDO:0012723, OMIM 611755.
Joubert syndrome 5 (JBTS5). Identifiers: Orphanet 2318, MedGen C1857780, MONDO:0012432, OMIM 610188.
Bardet-Biedl syndrome 14 (BBS14). Identifiers: Orphanet 110, MedGen C2673874, MONDO:0014442, OMIM 615991.
Nephronophthisis. Also called: Juvenile Nephronophthisis. Identifiers: Orphanet 655, MedGen C0687120, MONDO:0019005, HP:0000090.
Meckel-Gruber syndrome. Also called: Dysencephalia splachnocystica; GRUBER SYNDROME; DYSENCEPHALIA SPLANCHNOCYSTICA. Identifiers: Orphanet 564, MedGen C0265215, MONDO:0018921.
Joubert syndrome. Also called: Familial aplasia of the vermis; JOUBERT-BOLTSHAUSER SYNDROME. Identifiers: Orphanet 475, MedGen C5979921, MONDO:0018772.

Allele frequency attached by ClinVar (database versions not stated): gnomAD exomes 0.00001 and 0.00004; ExAC 0.00005; gnomAD 0.00014; ESP Exome Variant Server 0.00017; TOPMed 0.00019.
gnomAD v4.1: 39 of 1,611,768 alleles (0.0024%); highest among the groups gnomAD compares: African/African-American, 0.041%; no homozygotes.

Submissions (5):

Labcorp Genetics (formerly Invitae), Labcorp
Classification: Likely benign for Joubert syndrome; Meckel-Gruber syndrome; Nephronophthisis. Last evaluated: 2026-01-27. Review status: criteria provided, single submitter. Criteria: Invitae Variant Classification Sherloc (09022015). Collection method: clinical testing. Allele origin: germline.

CeGaT Center for Human Genetics Tuebingen
Classification: Likely benign. Last evaluated: 2024-09-01. Review status: criteria provided, single submitter. Criteria: CeGaT Center For Human Genetics Tuebingen Variant Classification Criteria Version 2. Collection method: clinical testing. Allele origin: germline. Affected: yes. Observed: 1 variant allele.
Comment: CEP290: BP4, BP7

Blueprint Genetics
Classification: Likely benign. Last evaluated: 2024-02-16. Review status: criteria provided, single submitter. Criteria: ACMG Guidelines, 2015. Collection method: clinical testing. Allele origin: germline.

Fulgent Genetics
Classification: Likely benign for Joubert syndrome 5; Senior-Loken syndrome 6; Meckel syndrome, type 4; Leber congenital amaurosis 10; Bardet-Biedl syndrome 14. Last evaluated: 2021-08-02. Review status: criteria provided, single submitter. Criteria: ACMG Guidelines, 2015. Collection method: clinical testing. Allele origin: unknown.

Natera, Inc.
Classification: Likely benign for Leber congenital amaurosis. Last evaluated: 2020-09-16. Review status: no assertion criteria provided. Collection method: clinical testing. Allele origin: germline. Not counted in ClinVar's aggregate classification.